The following is an entry in ClinVar:

NM_000219.6(KCNE1):c.181A>G (p.Ile61Val)

Gene: KCNE1 (potassium voltage-gated channel subfamily E regulatory subunit 1; minus strand). Cytogenetic location: 21q22.12.
Variant type: single nucleotide variant.
Coding change: c.181A>G on transcript NM_000219.6 (MANE Select); coding-DNA position 181, A replaced by G.
Protein change: p.Ile61Val; replaces isoleucine 61 with valine.
Molecular consequence: missense variant.
Genome position (GRCh38, 1-based): chr21:34,449,454, T>C on the plus strand (A>G on the coding strand, the complement: KCNE1 is on the minus strand). VCF-style: chr21-34449454-T-C. GRCh37 (hg19) VCF-style: chr21-35821752-T-C.
Other names: c.181A>G, p.Ile61Val (NM_001127668.4, NM_001127669.4, NM_001127670.4 and 4 more transcripts); short protein forms I61V.
Identifiers: ClinVar variation 3374261 (VCV003374261.3).
Genomic context (GRCh38, chr21:34,449,454, plus strand): 5'-AGACGTTGAATGGGTCGTTCGAGTGCTCCAGCTTCTTGGAGCGGATGTAGCTCAGCATGA[T>C]GCCCAGGGTGAAGAAGCCGAAGAATCCCAGTACCATGAGGACGTAGAGGGCCTCCAGCTT-3'
Protein context (NP_000210.2, residues 51-71): LGFFGFFTLG[Ile61Val]MLSYIRSKKL

ClinVar aggregate classification (germline): Uncertain significance (1 of 4 stars; one submission).

Conditions:
Cardiovascular phenotype. Identifiers: MedGen CN230736.

Submissions (2):

Ambry Genetics
Classification: Uncertain significance for Cardiovascular phenotype. Last evaluated: 2025-12-18. Review status: criteria provided, single submitter. Criteria: Ambry Variant Classification Scheme 2023. Collection method: clinical testing. Allele origin: germline.
Comment: The p.I61V variant (also known as c.181A>G), located in coding exon 1 of the KCNE1 gene, results from an A to G substitution at nucleotide position 181. The isoleucine at codon 61 is replaced by valine, an amino acid with highly similar properties. This variant was reported in individual(s) with features consistent with long QT syndrome (Roberts JD et al. Circulation, 2020 Feb;141:429-439). This amino acid position is well conserved in available vertebrate species. In addition, this alteration is predicted to be tolerated by in silico analysis. Based on the available evidence, the clinical significance of this variant remains unclear.

Roden Lab, Vanderbilt University Medical Center
No classification provided (evidence only). Condition: Long QT syndrome 5. Review status: no classification provided. Collection method: in vitro. Allele origin: not applicable. Functional consequence: Effect on ion channel function. Not counted in ClinVar's aggregate classification.
ClinVar note: "not provided" was previously submitted as the classification for the variant. However, the classification appeared to be based only on an observation of functional data so it was converted to no classification on 2025-07-30.

Literature cited by the submitters: PubMed 31941373 (cited by Ambry Genetics).